The following is an entry in ClinVar:

ClinVar aggregate classification (germline): Uncertain significance (1 of 4 stars; one submission).

Submission:

Labcorp Genetics (formerly Invitae), Labcorp
Classification: Uncertain significance. Last evaluated: 2021-09-24. Review status: criteria provided, single submitter. Criteria: Invitae Variant Classification Sherloc (09022015). Collection method: clinical testing. Allele origin: germline.
Comment: This sequence change replaces alanine with proline at codon 286 of the ARHGEF1 protein (p.Ala286Pro). The alanine residue is moderately conserved and there is a small physicochemical difference between alanine and proline. This variant is not present in population databases (ExAC no frequency). This variant has not been reported in the literature in individuals with ARHGEF1-related conditions. Algorithms developed to predict the effect of missense changes on protein structure and function output the following: SIFT: "Tolerated"; PolyPhen-2: "Benign"; Align-GVGD: "Class C0". The proline amino acid residue is found in multiple mammalian species, suggesting that this missense change does not adversely affect protein function. These predictions have not been confirmed by published functional studies and their clinical significance is uncertain. In summary, the available evidence is currently insufficient to determine the role of this variant in disease. Therefore, it has been classified as a Variant of Uncertain Significance.

NM_004706.4(ARHGEF1):c.811G>C (p.Ala271Pro)

Gene: ARHGEF1 (Rho guanine nucleotide exchange factor 1; plus strand). Cytogenetic location: 19q13.2.
Variant type: single nucleotide variant.
Coding change: c.811G>C on transcript NM_004706.4 (MANE Select); coding-DNA position 811, G replaced by C.
Protein change: p.Ala271Pro; replaces alanine 271 with proline.
Molecular consequence: missense variant.
Genome position (GRCh38, 1-based): chr19:41,894,517, G>C. VCF-style: chr19-41894517-G-C. GRCh37 (hg19) VCF-style: chr19-42398590-G-C.
Other names: c.712G>C, p.Ala238Pro (NM_198977.2); c.856G>C, p.Ala286Pro (NM_199002.2); short protein forms A238P, A271P, A286P.
Identifiers: ClinVar variation 1358504 (VCV001358504.5), dbSNP rs147557273, ClinGen allele CA406052592.